The following is an entry in ClinVar:

NM_030962.4(SBF2):c.3110G>A (p.Arg1037His)

Genes: SBF2 (SET binding factor 2; minus strand), LOC101928008 (uncharacterized LOC101928008; plus strand). Cytogenetic location: 11p15.4.
Variant type: single nucleotide variant.
Coding change: c.3110G>A on transcript NM_030962.4 (MANE Select); coding-DNA position 3110, G replaced by A.
Protein change: p.Arg1037His; replaces arginine 1037 with histidine.
Molecular consequence: missense variant.
Genome position (GRCh38, 1-based): chr11:9,845,565, C>T on the plus strand (G>A on the coding strand, the complement: SBF2 is on the minus strand). VCF-style: chr11-9845565-C-T. GRCh37 (hg19) VCF-style: chr11-9867112-C-T.
Other names: NC_000011.9:g.9867112C>T; c.3110G>A, p.Arg1037His (NM_001386339.1); c.2981G>A, p.Arg994His (NM_001386342.1); c.3146G>A, p.Arg1049His (NM_001424318.1, NM_001425069.1, NM_001425070.1); short protein forms R1037H, R1049H, R994H.
Identifiers: ClinVar variation 3731533 (VCV003731533.2).

ClinVar aggregate classification (germline): Uncertain significance (1 of 4 stars; one submission).

Conditions:
Charcot-Marie-Tooth disease type 4B2. Also called: Charcot-Marie-Tooth Neuropathy Type 4B2; CHARCOT-MARIE-TOOTH DISEASE, DEMYELINATING, TYPE 4B2; CHARCOT-MARIE-TOOTH DISEASE, WITH FOCALLY FOLDED MYELIN SHEATHS, AUTOSOMAL RECESSIVE, TYPE 4B2; CMT 4B2. Identifiers: Orphanet 99956, MedGen C1858278, MONDO:0011475, OMIM 604563.

gnomAD v4.1: 4 of 1,612,782 alleles (0.00025%); highest among the groups gnomAD compares: East Asian, 0.0022%; no homozygotes.

Submissions (2):

Neuberg Centre For Genomic Medicine, NCGM
Classification: Uncertain significance for Charcot-Marie-Tooth disease type 4B2. Last evaluated: 2023-06-22. Review status: criteria provided, single submitter. Criteria: ACMG Guidelines, 2015. Collection method: clinical testing. Allele origin: germline. Inheritance: Autosomal recessive inheritance. Affected: yes.
Comment: The observed missense variant c.3110G>A(p.Arg1037His) in SBF2 gene has not been reported previously as a pathogenic variant nor as a benign variant, to our knowledge. This variant is reported with 0.001% allele frequency in gnomAD Exomes. The amino acid Arg at position 1037 is changed to a His changing protein sequence and it might alter its composition and physico-chemical properties. Multiple lines of computational evidence (Polyphen-possibly damaging, SIFT-damaging and MutationTaster-disease causing) predict a damaging effect on protein structure and function for this variant. The reference amino acid p.Arg1037His in SBF2 is predicted as conserved by GERP++ and PhyloP across 100 vertebrates. For these reasons, this variant has been classified as Uncertain Significance.

Dr. Peter K. Rogan Lab, Western University
No classification provided (evidence only). Condition: Familial cancer of breast. Review status: no classification provided. Collection method: in vitro. Allele origin: not applicable. Functional consequence: skipped exon. Not counted in ClinVar's aggregate classification.